The following is an entry in ClinVar:

ClinVar aggregate classification (germline): Conflicting classifications of pathogenicity. Review status: criteria provided, conflicting classifications (1 of 4 stars). 3 submissions from 3 submitters: Uncertain significance (1); Likely benign (1). 1 of the submissions does not count toward it. Last evaluated 2023-09-13.

Conditions:
Inborn genetic diseases. Identifiers: MedGen C0950123, MeSH D030342.
Usher syndrome type 1 (USH1). Also called: RETINITIS PIGMENTOSA AND CONGENITAL DEAFNESS. Identifiers: Orphanet 231169, Orphanet 886, MedGen C1568247, MONDO:0010168, OMIM 276900.

Allele frequency attached by ClinVar (database versions not stated): gnomAD 0.00002; TOPMed 0.00002; gnomAD exomes 0.00001 and 0.00003; ExAC 0.00004.
gnomAD v4.1: 15 of 1,613,792 alleles (0.00093%); highest among the groups gnomAD compares: East Asian, 0.031%; 1 homozygote.

Submissions (3):

Ambry Genetics
Classification: Likely benign for Inborn genetic diseases. Last evaluated: 2023-09-13. Review status: criteria provided, single submitter. Criteria: Ambry Variant Classification Scheme 2023. Collection method: clinical testing. Allele origin: germline.

Labcorp Genetics (formerly Invitae), Labcorp
Classification: Uncertain significance. Last evaluated: 2022-07-12. Review status: criteria provided, single submitter. Criteria: Invitae Variant Classification Sherloc (09022015). Collection method: clinical testing. Allele origin: germline.
Comment: This sequence change replaces glutamine, which is neutral and polar, with arginine, which is basic and polar, at codon 1232 of the CDH23 protein (p.Gln1232Arg). This variant is present in population databases (rs776158881, gnomAD 0.05%). This variant has not been reported in the literature in individuals affected with CDH23-related conditions. ClinVar contains an entry for this variant (Variation ID: 989827). Algorithms developed to predict the effect of missense changes on protein structure and function output the following: SIFT: "Tolerated"; PolyPhen-2: "Not Available"; Align-GVGD: "Class C0". The arginine amino acid residue is found in multiple mammalian species, which suggests that this missense change does not adversely affect protein function. In summary, the available evidence is currently insufficient to determine the role of this variant in disease. Therefore, it has been classified as a Variant of Uncertain Significance.

Natera, Inc.
Classification: Uncertain significance for Usher syndrome type 1. Last evaluated: 2020-08-24. Review status: no assertion criteria provided. Collection method: clinical testing. Allele origin: germline. Not counted in ClinVar's aggregate classification.

NM_022124.6(CDH23):c.3695A>G (p.Gln1232Arg)

Genes: C10orf105 (chromosome 10 open reading frame 105; minus strand), CDH23 (cadherin related 23; plus strand). Cytogenetic location: 10q22.1.
Variant type: single nucleotide variant.
Coding change: c.3695A>G on transcript NM_022124.6 (MANE Select); coding-DNA position 3695, A replaced by G.
Protein change: p.Gln1232Arg; replaces glutamine 1232 with arginine.
Molecular consequence: missense variant. On other transcripts: intron variant (1).
Genome position (GRCh38, 1-based): chr10:71,730,584, A>G. VCF-style: chr10-71730584-A-G. GRCh37 (hg19) VCF-style: chr10-73490341-A-G.
Other names: c.3695A>G (NM_022124.5); c.3695A>G, p.Gln1232Arg (NM_001171930.2); c.-6+7144T>C (NM_001168390.2); short protein forms Q1232R.
Identifiers: ClinVar variation 989827 (VCV000989827.6), dbSNP rs776158881, ClinGen allele CA5544807.